The following is an entry in ClinVar:

ClinVar aggregate classification (germline): Likely benign (1 of 4 stars; one submission).

Allele frequency attached by ClinVar (database versions not stated): 1000 Genomes Project 30x 0.00016; ExAC 0.00016; TOPMed 0.00018; 1000 Genomes Project 0.00020; gnomAD 0.00022; gnomAD exomes 0.00022; ESP Exome Variant Server 0.00040.
gnomAD v4.1: 346 of 1,613,136 alleles (0.021%); highest among the groups gnomAD compares: Non-Finnish European, 0.026%; no homozygotes.

Submission:

CeGaT Center for Human Genetics Tuebingen
Classification: Likely benign. Last evaluated: 2023-01-01. Review status: criteria provided, single submitter. Criteria: CeGaT Center For Human Genetics Tuebingen Variant Classification Criteria Version 2. Collection method: clinical testing. Allele origin: germline. Affected: yes. Observed: 1 variant allele.
Comment: GFPT2: BP4

NM_005110.4(GFPT2):c.736G>A (p.Ala246Thr)

Gene: GFPT2 (glutamine--fructose-6-phosphate transaminase 2; minus strand). Cytogenetic location: 5q35.3.
Variant type: single nucleotide variant.
Coding change: c.736G>A on transcript NM_005110.4 (MANE Select); coding-DNA position 736, G replaced by A.
Protein change: p.Ala246Thr; replaces alanine 246 with threonine.
Molecular consequence: missense variant.
Genome position (GRCh38, 1-based): chr5:180,324,246, C>T on the plus strand (G>A on the coding strand, the complement: GFPT2 is on the minus strand). VCF-style: chr5-180324246-C-T. GRCh37 (hg19) VCF-style: chr5-179751246-C-T.
Other names: short protein forms A246T.
Identifiers: ClinVar variation 2656149 (VCV002656149.24), dbSNP rs201867122, ClinGen allele CA3604687.
Genomic context (GRCh38, chr5:180,324,246, plus strand): 5'-ACCTTGCATCAGAAGCAAAGAAGAATTCCACGGCCTTGTCGCCCACAGCATGCAGGCAGG[C>T]GGAGCTGTCCAGCCTCTTCATCCGTGTCTTACAGATATTCTTCACATTCTCCAGAGTGCC-3'
Protein context (NP_005101.1, residues 236-256): KTRMKRLDSS[Ala246Thr]CLHAVGDKAV